The following is an entry in ClinVar:

ClinVar aggregate classification (germline): Uncertain significance (1 of 4 stars; one submission).

Conditions:
Myopathy, proximal, and ophthalmoplegia (CMYO6). Also called: MYOPATHY WITH CONGENITAL JOINT CONTRACTURES, OPHTHALMOPLEGIA, AND RIMMED VACUOLES; CONGENITAL MYOPATHY 6 WITH OPHTHALMOPLEGIA; INCLUSION BODY MYOPATHY 3, AUTOSOMAL DOMINANT. Identifiers: Orphanet 363677, Orphanet 79091, MedGen C1854106, MONDO:0011577, OMIM 605637.

Submission:

Labcorp Genetics (formerly Invitae), Labcorp
Classification: Uncertain significance for Myopathy, proximal, and ophthalmoplegia. Last evaluated: 2024-03-11. Review status: criteria provided, single submitter. Criteria: Invitae Variant Classification Sherloc (09022015). Collection method: clinical testing. Allele origin: germline.
Comment: This sequence change replaces glutamic acid, which is acidic and polar, with aspartic acid, which is acidic and polar, at codon 1507 of the MYH2 protein (p.Glu1507Asp). This variant is present in population databases (no rsID available, gnomAD 0.006%). This variant has not been reported in the literature in individuals affected with MYH2-related conditions. ClinVar contains an entry for this variant (Variation ID: 1497569). Advanced modeling of protein sequence and biophysical properties (such as structural, functional, and spatial information, amino acid conservation, physicochemical variation, residue mobility, and thermodynamic stability) performed at Invitae indicates that this missense variant is not expected to disrupt MYH2 protein function with a negative predictive value of 80%. In summary, the available evidence is currently insufficient to determine the role of this variant in disease. Therefore, it has been classified as a Variant of Uncertain Significance.

NM_017534.6(MYH2):c.4521G>C (p.Glu1507Asp)

Genes: MYH2 (myosin heavy chain 2; minus strand), MYHAS (myosin heavy chain gene cluster antisense RNA; plus strand), LOC126862500 (BRD4-independent group 4 enhancer GRCh37_chr17:10427829-10429028; plus strand). Cytogenetic location: 17p13.1.
Variant type: single nucleotide variant.
Coding change: c.4521G>C on transcript NM_017534.6 (MANE Select); coding-DNA position 4521, G replaced by C.
Protein change: p.Glu1507Asp; replaces glutamic acid 1507 with aspartic acid.
Molecular consequence: missense variant.
Genome position (GRCh38, 1-based): chr17:10,525,467, C>G on the plus strand (G>C on the coding strand, the complement: MYH2 is on the minus strand). VCF-style: chr17-10525467-C-G. GRCh37 (hg19) VCF-style: chr17-10428784-C-G.
Other names: c.4521G>C, p.Glu1507Asp (NM_001100112.2); short protein forms E1507D.
Identifiers: ClinVar variation 1497569 (VCV001497569.8), dbSNP rs753714787, ClinGen allele CA398125624.